The following is an entry in ClinVar:

NM_001291303.3(FAT4):c.10261A>G (p.Ile3421Val)

Gene: FAT4 (FAT atypical cadherin 4; plus strand). Cytogenetic location: 4q28.1.
Variant type: single nucleotide variant.
Coding change: c.10261A>G on transcript NM_001291303.3 (MANE Select); coding-DNA position 10261, A replaced by G.
Protein change: p.Ile3421Val; replaces isoleucine 3421 with valine.
Molecular consequence: missense variant.
Genome position (GRCh38, 1-based): chr4:125,451,271, A>G. VCF-style: chr4-125451271-A-G. GRCh37 (hg19) VCF-style: chr4-126372426-A-G.
Other names: c.10261A>G, p.Ile3421Val (NM_001291285.3); c.10255A>G, p.Ile3419Val (NM_024582.6); c.10255A>G (NM_024582.5, NM_024582.4); short protein forms I3421V, I3419V.
Identifiers: ClinVar variation 1911806 (VCV001911806.6), dbSNP rs1370064802, ClinGen allele CA358157945.

ClinVar aggregate classification (germline): Uncertain significance. Review status: criteria provided, multiple submitters, no conflicts (2 of 4 stars). 3 submissions from 3 submitters: Uncertain significance (3). Last evaluated 2025-01-16.

Conditions:
Inborn genetic diseases. Identifiers: MedGen C0950123, MeSH D030342.
Van Maldergem syndrome 2 (VMLDS2). Identifiers: Orphanet 314679, MedGen C3809875, MONDO:0014242, OMIM 615546.
Hennekam lymphangiectasia-lymphedema syndrome 2 (HKLLS2). Identifiers: Orphanet 2136, MedGen C4014939, MONDO:0014454, OMIM 616006.

Allele frequency attached by ClinVar (database versions not stated): gnomAD 0.00001; gnomAD exomes 0.00001; TOPMed 0.00002.

Submissions (3):

Ambry Genetics
Classification: Uncertain significance for Inborn genetic diseases. Last evaluated: 2025-01-16. Review status: criteria provided, single submitter. Criteria: Ambry Variant Classification Scheme 2023. Collection method: clinical testing. Allele origin: germline.

Fulgent Genetics
Classification: Uncertain significance for Van Maldergem syndrome 2; Hennekam lymphangiectasia-lymphedema syndrome 2. Last evaluated: 2024-04-16. Review status: criteria provided, single submitter. Criteria: ACMG Guidelines, 2015. Collection method: clinical testing. Allele origin: germline.

Labcorp Genetics (formerly Invitae), Labcorp
Classification: Uncertain significance. Last evaluated: 2022-01-31. Review status: criteria provided, single submitter. Criteria: Invitae Variant Classification Sherloc (09022015). Collection method: clinical testing. Allele origin: germline.
Comment: In summary, the available evidence is currently insufficient to determine the role of this variant in disease. Therefore, it has been classified as a Variant of Uncertain Significance. Algorithms developed to predict the effect of sequence changes on RNA splicing suggest that this variant may create or strengthen a splice site. Advanced modeling of protein sequence and biophysical properties (such as structural, functional, and spatial information, amino acid conservation, physicochemical variation, residue mobility, and thermodynamic stability) performed at Invitae indicates that this missense variant is not expected to disrupt FAT4 protein function. This variant has not been reported in the literature in individuals affected with FAT4-related conditions. This variant is present in population databases (no rsID available, gnomAD 0.0009%). This sequence change replaces isoleucine, which is neutral and non-polar, with valine, which is neutral and non-polar, at codon 3419 of the FAT4 protein (p.Ile3419Val).